The following is an entry in ClinVar:

NM_000257.4(MYH7):c.2594A>G (p.Lys865Arg)

Genes: MYH7 (myosin heavy chain 7; minus strand), LOC126861898 (BRD4-independent group 4 enhancer GRCh37_chr14:23893609-23894808; plus strand). Cytogenetic location: 14q11.2.
Variant type: single nucleotide variant.
Coding change: c.2594A>G on transcript NM_000257.4 (MANE Select); coding-DNA position 2594, A replaced by G.
Protein change: p.Lys865Arg; replaces lysine 865 with arginine.
Molecular consequence: missense variant.
Genome position (GRCh38, 1-based): chr14:23,424,854, T>C on the plus strand (A>G on the coding strand, the complement: MYH7 is on the minus strand). VCF-style: chr14-23424854-T-C. GRCh37 (hg19) VCF-style: chr14-23894063-T-C.
Other names: short protein forms K865R.
Identifiers: ClinVar variation 524996 (VCV000524996.26), dbSNP rs758891557, ClinGen allele CA033314.

ClinVar aggregate classification (germline): Pathogenic/Likely pathogenic. Review status: criteria provided, multiple submitters, no conflicts (2 of 4 stars). 8 submissions from 8 submitters: Pathogenic (2); Likely pathogenic (6). Last evaluated 2026-03-19.

Conditions:
Hypertrophic cardiomyopathy 1 (CMH1). Also called: MYH7-Related Familial Hypertrophic Cardiomyopathy; Familial hypertrophic cardiomyopathy 1. Identifiers: MedGen C3495498, MONDO:0008647, OMIM 192600.
Primary dilated cardiomyopathy (DCM). Also called: Dilated Cardiomyopathy. Identifiers: Orphanet 217604, MedGen C0007193, MeSH D002311, MONDO:0005021, HP:0001644. Inheritance: Various modes of inheritance.
Dilated cardiomyopathy 1S (CMD1S). Identifiers: Orphanet 154, Orphanet 54260, MedGen C1834481, MONDO:0013262, OMIM 613426.
Cardiomyopathy (CMYO). Also called: Cardiomyopathies. Identifiers: Orphanet 167848, MedGen C0878544, MONDO:0004994, HP:0001638. Inheritance: Various modes of inheritance.
Hypertrophic cardiomyopathy. Also called: HYPERTROPHIC MYOCARDIOPATHY. Identifiers: Orphanet 217569, MedGen C0007194, MeSH D002312, MONDO:0005045, HP:0001639.

Allele frequency attached by ClinVar (database versions not stated): gnomAD exomes below 0.00001; TOPMed below 0.00001; ExAC 0.00001; gnomAD 0.00001.

Submissions (8):

Institute of Immunology and Genetics Kaiserslautern
Classification: Pathogenic for Hypertrophic cardiomyopathy 1; Dilated cardiomyopathy 1S. Last evaluated: 2026-03-19. Review status: criteria provided, single submitter. Criteria: ACMG Guidelines, 2015. Collection method: clinical testing. Allele origin: germline. Affected: yes.
Comment: ACMG Criteria: PS4, PM1, PM2_P, PM5, PP3; Variant was found in heterozygous state.

Dasa
Classification: Likely pathogenic for Hypertrophic cardiomyopathy 1. Last evaluated: 2025-07-13. Review status: criteria provided, single submitter. Criteria: DASA Assertion Criteria. Collection method: clinical testing. Allele origin: germline.
Comment: NM_000257.4(MYH7):c.2594A>G (p.Lys865Arg) is a missense variant that results in the substitution of lysine with arginine. The affected residue or protein region has prior evidence supporting clinical relevance. This variant has been recurrently observed in individuals with MYH7-related disorders (PMID: 16858239; PMID: 21835320; PMID: 18533079; PMID: 34194005; PMID: 22811549). Also, this variant is rare in population databases. Computational evidence supports a deleterious effect. Based on the currently available evidence, this variant is classified as likely pathogenic.

Color Diagnostics, LLC DBA Color Health
Classification: Likely pathogenic for Cardiomyopathy. Last evaluated: 2025-06-29. Review status: criteria provided, single submitter. Criteria: ACMG Guidelines, 2015. Collection method: clinical testing. Allele origin: germline.
Comment: This missense variant replaces lysine with arginine at codon 865 of the MYH7 protein. This variant is found within a highly conserved region of the myosin head domain. Missense variants in this region have been shown to be significantly overrepresented in individuals with hypertrophic cardiomyopathy (PMID: 27532257). Computational prediction suggests that this variant may have a deleterious impact on protein structure and function. To our knowledge, functional studies have not been reported for this variant. This variant has been reported in at least three unrelated individuals affected with hypertrophic cardiomyopathy (PMID: 16858239, 18533079, 21835320, 25524337, 27247418, 30297972, 32228044). One of these individuals also carried a pathogenic variant in the MYBPC3 gene (PMID: 32228044). This variant has also been reported in at least one individual affected with dilated cardiomyopathy (PMID: 32880476, 34194005). This variant has been identified in 1/251464 chromosomes in the general population by the Genome Aggregation Database (gnomAD). A different variant affecting the same codon, p.Lys865Glu, is considered to be disease-causing (ClinVar variation ID: 181195), suggesting that lysine at this position is important for MYH7 protein function. Based on the available evidence, this variant is classified as Likely Pathogenic.

CeGaT Center for Human Genetics Tuebingen
Classification: Likely pathogenic. Last evaluated: 2025-03-01. Review status: criteria provided, single submitter. Criteria: CeGaT Center For Human Genetics Tuebingen Variant Classification Criteria Version 2. Collection method: clinical testing. Allele origin: germline. Affected: yes. Observed: 1 variant allele.
Comment: MYH7: PM1, PM2, PM5, PS4:Moderate

Labcorp Genetics (formerly Invitae), Labcorp
Classification: Pathogenic for Hypertrophic cardiomyopathy. Last evaluated: 2024-03-13. Review status: criteria provided, single submitter. Criteria: Invitae Variant Classification Sherloc (09022015). Collection method: clinical testing. Allele origin: germline.
Comment: This sequence change replaces lysine, which is basic and polar, with arginine, which is basic and polar, at codon 865 of the MYH7 protein (p.Lys865Arg). This variant is present in population databases (rs758891557, gnomAD 0.0009%). This missense change has been observed in individuals with hypertrophic cardiomyopathy (PMID: 16858239, 27247418). ClinVar contains an entry for this variant (Variation ID: 524996). Advanced modeling of protein sequence and biophysical properties (such as structural, functional, and spatial information, amino acid conservation, physicochemical variation, residue mobility, and thermodynamic stability) performed at Invitae indicates that this missense variant is expected to disrupt MYH7 protein function with a positive predictive value of 95%. This variant disrupts the p.Lys865 amino acid residue in MYH7. Other variant(s) that disrupt this residue have been determined to be pathogenic (PMID: 21310275, 24793961, 27532257). This suggests that this residue is clinically significant, and that variants that disrupt this residue are likely to be disease-causing. For these reasons, this variant has been classified as Pathogenic.

All of Us Research Program, National Institutes of Health
Classification: Likely pathogenic for Primary dilated cardiomyopathy. Last evaluated: 2023-11-08. Review status: criteria provided, single submitter. Criteria: ACMG Guidelines, 2015. Collection method: clinical testing. Allele origin: germline. Inheritance: Autosomal dominant inheritance. Observed: 1 variant allele, 1 heterozygote.
Comment: The c.2594A>G (p.Lys865Arg) variant in the MYH7 gene has been identified in at least four individuals with Hypertrophic Cardiomyopathy (HCM) (PMID:16858239, 18533079, 21835320, 25524337, 32228044) and two individuals with dilated cardiomyopathy (PMID: 32880476, 34194005). This variant lies in the established functional domain (amino acids 181-937) of the MYH7 protein without benign variations, and missense variants in this region are statistically more likely to be disease-associated (PMID:27532257). In-silico computational prediction tools suggest that this variant may have deleterious effect on the protein function (REVEL score: 0.746). This variant is found to be rare (1/251464; 0.000397%) in the general population database (gnomAD) and interpreted as likely pathogenic/pathogenic by multiple submitters in the ClinVar database (ClinVar ID: 524996). Other missense changes affecting the same amino acid, c.2593A>G (p.Lys865Glu) and c.2594A>T (p.Lys865Met), have been reported in individuals with hypertrophic cardiomyopathy (PMID:27247418, 32894683, 24793961) and interpreted as likely pathogenic by several ClinVar submitters in the ClinVar database (ClinVar ID:181195, 454358), including the ClinGen Cardiomyopathy Variant Curation Expert Panel (ClinVar ID:181195). Therefore, the c.2594A>G (p.Lys865Arg) variant in the MYH7 gene is classified as likely pathogenic.

This study involves interpretation of variants in research participants for the purpose of population health screening. Participant phenotype was not available at the time of variant classification. Additional details can be found in publication PMID: 35346344, PMCID: PMC8962531

MGZ Medical Genetics Center
Classification: Likely pathogenic for Hypertrophic cardiomyopathy 1. Last evaluated: 2022-02-10. Review status: criteria provided, single submitter. Criteria: ACMG Guidelines, 2015. Collection method: clinical testing. Allele origin: germline. Affected: yes. Observed: 1 variant allele.
Comment: ACMG criteria applied: PM1, PM5, PM2_SUP, PP1, PP2, PP3

Revvity Omics, Revvity
Classification: Likely pathogenic. Last evaluated: 2021-11-22. Review status: criteria provided, single submitter. Criteria: ACMG Guidelines, 2015. Collection method: clinical testing. Allele origin: germline.

Literature cited by the submitters: PubMed 16858239 (cited by 4 submitters); PubMed 21835320 (cited by 3 submitters); PubMed 18533079 (cited by 3 submitters); PubMed 34194005 (cited by 3 submitters); PubMed 22811549 (cited by Dasa); PubMed 27247418 (cited by 4 submitters); PubMed 25524337 (cited by Color Diagnostics, LLC DBA Color Health and All of Us Research Program, National Institutes of Health); PubMed 27532257 (cited by 3 submitters); PubMed 30297972 (cited by Color Diagnostics, LLC DBA Color Health); PubMed 32228044 (cited by Color Diagnostics, LLC DBA Color Health and All of Us Research Program, National Institutes of Health); PubMed 32880476 (cited by Color Diagnostics, LLC DBA Color Health and All of Us Research Program, National Institutes of Health); PubMed 21310275 (cited by Labcorp Genetics (formerly Invitae), Labcorp); PubMed 24793961 (cited by Labcorp Genetics (formerly Invitae), Labcorp and All of Us Research Program, National Institutes of Health); PubMed 32894683 (cited by All of Us Research Program, National Institutes of Health).